The following is an entry in ClinVar:

NM_138691.3(TMC1):c.421C>T (p.Arg141Trp)

Gene: TMC1 (transmembrane channel like 1; plus strand). Cytogenetic location: 9q21.13.
Variant type: single nucleotide variant.
Coding change: c.421C>T on transcript NM_138691.3 (MANE Select); coding-DNA position 421, C replaced by T.
Protein change: p.Arg141Trp; replaces arginine 141 with tryptophan.
Molecular consequence: missense variant.
Genome position (GRCh38, 1-based): chr9:72,740,177, C>T. VCF-style: chr9-72740177-C-T. GRCh37 (hg19) VCF-style: chr9-75355093-C-T.
Other names: short protein forms R141W.
Identifiers: ClinVar variation 47873 (VCV000047873.49), dbSNP rs11143384, ClinGen allele CA142079.

ClinVar aggregate classification (germline): Conflicting classifications of pathogenicity. Review status: criteria provided, conflicting classifications (1 of 4 stars). 9 submissions from 8 submitters: Uncertain significance (1); Benign (7); Likely benign (1). Last evaluated 2026-02-01.

Conditions:
Autosomal dominant nonsyndromic hearing loss 36. Identifiers: Orphanet 90635, MedGen C1847626, MONDO:0011708, OMIM 606705.
Autosomal recessive nonsyndromic hearing loss 7. Also called: DEAFNESS, AUTOSOMAL RECESSIVE 11. Identifiers: Orphanet 90636, MedGen C1832978, MONDO:0010967, OMIM 600974.

Allele frequency attached by ClinVar (database versions not stated): 1000 Genomes Project 30x 0.00203; 1000 Genomes Project 0.00220; TOPMed 0.00637; ESP Exome Variant Server 0.00684; gnomAD 0.00691; gnomAD exomes 0.00993.

Submissions (9):

CeGaT Center for Human Genetics Tuebingen
Classification: Benign. Last evaluated: 2026-02-01. Review status: criteria provided, single submitter. Criteria: CeGaT Center For Human Genetics Tuebingen Variant Classification Criteria Version 2. Collection method: clinical testing. Allele origin: germline. Affected: yes. Observed: 11 variant alleles.
Comment: TMC1: BP4, BS1, BS2

Labcorp Genetics (formerly Invitae), Labcorp
Classification: Benign. Last evaluated: 2026-01-26. Review status: criteria provided, single submitter. Criteria: Invitae Variant Classification Sherloc (09022015). Collection method: clinical testing. Allele origin: germline.

Mayo Clinic Laboratories, Mayo Clinic
Classification: Benign. Last evaluated: 2025-04-29. Review status: criteria provided, single submitter. Criteria: ACMG Guidelines, 2015. Collection method: clinical testing. Allele origin: germline. Observed: 1 variant allele.
Comment: BA1, BS2, BP4

Blueprint Genetics
Classification: Likely benign. Last evaluated: 2024-11-27. Review status: criteria provided, single submitter. Criteria: ACMG Guidelines, 2015. Collection method: clinical testing. Allele origin: germline.

GeneDx
Classification: Benign. Last evaluated: 2018-06-12. Review status: criteria provided, single submitter. Criteria: GeneDx Variant Classification Process June 2021. Collection method: clinical testing. Allele origin: germline. Affected: yes.
Comment: This variant is associated with the following publications: (PMID: 27838790)

Illumina Laboratory Services, Illumina
Classification: Benign for Autosomal dominant nonsyndromic hearing loss 36. Last evaluated: 2018-01-12. Review status: criteria provided, single submitter. Criteria: ICSL Variant Classification Criteria 13 December 2019. Collection method: clinical testing. Allele origin: germline.
Comment: This variant was observed in the ICSL laboratory as part of a predisposition screen in an ostensibly healthy population. It had not been previously curated by ICSL or reported in the Human Gene Mutation Database (HGMD: prior to June 1st, 2018), and was therefore a candidate for classification through an automated scoring system. Utilizing variant allele frequency, disease prevalence and penetrance estimates, and inheritance mode, an automated score was calculated to assess if this variant is too frequent to cause the disease. Based on the score and internal cut-off values, a variant classified as benign is not then subjected to further curation. The score for this variant resulted in a classification of benign for this disease.

Illumina Laboratory Services, Illumina
Classification: Uncertain significance for Autosomal recessive nonsyndromic hearing loss 7. Last evaluated: 2018-01-12. Review status: criteria provided, single submitter. Criteria: ICSL Variant Classification Criteria 13 December 2019. Collection method: clinical testing. Allele origin: germline.

Laboratory for Molecular Medicine, Mass General Brigham Personalized Medicine
Classification: Benign. Last evaluated: 2011-11-03. Review status: criteria provided, single submitter. Criteria: LMM Criteria. Collection method: clinical testing. Allele origin: germline. Observed: 22 variant alleles.
Comment: Arg141Trp in exon 9 of TMC1: This variant is not expected to have clincial signi ficance because it has been reported in dbSNP (rs11143384) at a frequency of 0.5 % (30/5670) of control chromosomes. In addition, this residue is not well conser ved across mammals and distant species.

PreventionGenetics, part of Exact Sciences
Classification: Benign. Review status: criteria provided, single submitter. Criteria: ACMG Guidelines, 2015. Collection method: clinical testing. Allele origin: germline.

Literature cited by the submitters: PubMed 27838790 (cited by Mayo Clinic Laboratories, Mayo Clinic).